The following is an entry in ClinVar:

ClinVar aggregate classification (germline): Uncertain significance. Review status: criteria provided, multiple submitters, no conflicts (2 of 4 stars). 3 submissions from 3 submitters: Uncertain significance (3). Last evaluated 2025-01-15.

Allele frequency attached by ClinVar (database versions not stated): gnomAD exomes 0.00007 and 0.00012; TOPMed 0.00006; gnomAD 0.00009; ExAC 0.00008; ESP Exome Variant Server 0.00008.

Submissions (3):

Revvity Omics, Revvity
Classification: Uncertain significance. Last evaluated: 2025-01-15. Review status: criteria provided, single submitter. Criteria: ACMG Guidelines, 2015. Collection method: clinical testing. Allele origin: germline.

Mayo Clinic Laboratories, Mayo Clinic
Classification: Uncertain significance. Last evaluated: 2024-04-16. Review status: criteria provided, single submitter. Criteria: ACMG Guidelines, 2015. Collection method: clinical testing. Allele origin: germline. Observed: 1 variant allele.
Comment: BP4

GeneDx
Classification: Uncertain significance. Last evaluated: 2019-04-18. Review status: criteria provided, single submitter. Criteria: GeneDx Variant Classification Process June 2021. Collection method: clinical testing. Allele origin: germline. Affected: yes.
Comment: In silico analysis, which includes protein predictors and evolutionary conservation, supports that this variant does not alter protein structure/function; Has not been previously published as pathogenic or benign to our knowledge

NM_001355436.2(SPTB):c.3203A>G (p.Gln1068Arg)

Gene: SPTB (spectrin beta, erythrocytic; minus strand). Cytogenetic location: 14q23.3.
Variant type: single nucleotide variant.
Coding change: c.3203A>G on transcript NM_001355436.2 (MANE Select); coding-DNA position 3203, A replaced by G.
Protein change: p.Gln1068Arg; replaces glutamine 1068 with arginine.
Molecular consequence: missense variant.
Genome position (GRCh38, 1-based): chr14:64,786,762, T>C on the plus strand (A>G on the coding strand, the complement: SPTB is on the minus strand). VCF-style: chr14-64786762-T-C. GRCh37 (hg19) VCF-style: chr14-65253480-T-C.
Other names: NM_000347.5:c.3203A>G; p.Gln1068Arg; c.3203A>G, p.Gln1068Arg (NM_001024858.4, NM_001355437.2); short protein forms Q1068R.
Identifiers: ClinVar variation 1305314 (VCV001305314.4), dbSNP rs371774042, ClinGen allele CA7230673.